The following is an entry in ClinVar:

NM_033380.3(COL4A5):c.2134C>A (p.Pro712Thr)

Gene: COL4A5 (collagen type IV alpha 5 chain; plus strand). Cytogenetic location: Xq22.3.
Variant type: single nucleotide variant.
Coding change: c.2134C>A on transcript NM_033380.3 (MANE Select); coding-DNA position 2134, C replaced by A.
Protein change: p.Pro712Thr; replaces proline 712 with threonine.
Molecular consequence: missense variant.
Genome position (GRCh38, 1-based): chrX:108,601,977, C>A. VCF-style: chrX-108601977-C-A. GRCh37 (hg19) VCF-style: chrX-107845207-C-A.
Other names: c.2134C>A, p.Pro712Thr (NM_000495.5); short protein forms P712T.
Identifiers: ClinVar variation 4882460 (VCV004882460.2).
Genomic context (GRCh38, chrX:108,601,977, plus strand): 5'-CCAGGGATACCTGGTAGCAAAGGAGAACCAGGTATCCCTGGAATTGGGCTTCCTGGACCA[C>A]CTGGTCCCAAAGGTATGTTGGAATGGGTAGCAGGCAGAGTAGGTTAGAAGTTTAGCATGA-3'
Protein context (NP_203699.1, residues 702-722): GIPGIGLPGP[Pro712Thr]GPKGFPGIPG

ClinVar aggregate classification (germline): Uncertain significance (1 of 4 stars; one submission).

Submission:

Dasa
Classification: Uncertain significance. Last evaluated: 2024-11-18. Review status: criteria provided, single submitter. Criteria: DASA Assertion Criteria. Collection method: clinical testing. Allele origin: germline.
Comment: NM_033380.3(COL4A5):c.2134C>A (p.Pro712Thr) is a missense variant that results in the substitution of proline with threonine. This variant is rare in population databases. The currently available literature and clinical evidence are not sufficient to establish a definitive association between this variant and the reported condition. Therefore, this variant is classified as a variant of uncertain significance.